The following is an entry in ClinVar:

ClinVar aggregate classification (germline): Uncertain significance. Review status: criteria provided, multiple submitters, no conflicts (2 of 4 stars). 4 submissions from 4 submitters: Uncertain significance (4). Last evaluated 2026-01-06.

Conditions:
de Barsy syndrome. Also called: Cutis laxa-corneal clouding-oligophrenia syndrome. Identifiers: Orphanet 2962, MedGen C0268354, MONDO:0017569.
Autosomal dominant spastic paraplegia type 9. Identifiers: MedGen C1832669, MONDO:0015091.
Cutis laxa, autosomal dominant 3 (ADCL3). Identifiers: Orphanet 90348, MedGen C4225268, MONDO:0014706, OMIM 616603.
ALDH18A1-related de Barsy syndrome. Also called: DE BARSY SYNDROME A; Cutis laxa, autosomal recessive IIIA. Identifiers: Orphanet 2962, Orphanet 35664, MedGen C5234852, MONDO:0009053, OMIM 219150.

Allele frequency attached by ClinVar (database versions not stated): gnomAD 0.00001 and 0.00002; gnomAD exomes 0.00001 and 0.00009; ExAC 0.00002; TOPMed 0.00006; 1000 Genomes Project 30x 0.00016; 1000 Genomes Project 0.00020.
gnomAD v4.1: 133 of 1,614,108 alleles (0.0082%); highest among the groups gnomAD compares: Non-Finnish European, 0.011%; no homozygotes.

Submissions (4):

Labcorp Genetics (formerly Invitae), Labcorp
Classification: Uncertain significance for Autosomal dominant spastic paraplegia type 9; de Barsy syndrome; Cutis laxa, autosomal dominant 3. Last evaluated: 2026-01-06. Review status: criteria provided, single submitter. Criteria: Invitae Variant Classification Sherloc (09022015). Collection method: clinical testing. Allele origin: germline.
Comment: This sequence change replaces leucine, which is neutral and non-polar, with isoleucine, which is neutral and non-polar, at codon 261 of the ALDH18A1 protein (p.Leu261Ile). This variant is present in population databases (rs200172733, gnomAD 0.002%). This variant has not been reported in the literature in individuals affected with ALDH18A1-related conditions. ClinVar contains an entry for this variant (Variation ID: 387014). Invitae Evidence Modeling of protein sequence and biophysical properties (such as structural, functional, and spatial information, amino acid conservation, physicochemical variation, residue mobility, and thermodynamic stability) has been performed for this missense variant. However, the output from this modeling did not meet the statistical confidence thresholds required to predict the impact of this variant on ALDH18A1 protein function. In summary, the available evidence is currently insufficient to determine the role of this variant in disease. Therefore, it has been classified as a Variant of Uncertain Significance.

Blueprint Genetics
Classification: Uncertain significance. Last evaluated: 2024-10-17. Review status: criteria provided, single submitter. Criteria: ACMG Guidelines, 2015. Collection method: clinical testing. Allele origin: germline.

GeneDx
Classification: Uncertain significance. Last evaluated: 2023-11-15. Review status: criteria provided, single submitter. Criteria: GeneDx Variant Classification Process June 2021. Collection method: clinical testing. Allele origin: germline. Affected: yes.
Comment: Has not been previously published as pathogenic or benign to our knowledge; Not observed at significant frequency in large population cohorts (gnomAD); In silico analysis supports that this missense variant does not alter protein structure/function

Illumina Laboratory Services, Illumina
Classification: Uncertain significance for ALDH18A1-related de Barsy syndrome. Last evaluated: 2018-01-12. Review status: criteria provided, single submitter. Criteria: ICSL Variant Classification Criteria 13 December 2019. Collection method: clinical testing. Allele origin: germline.

NM_002860.4(ALDH18A1):c.781C>A (p.Leu261Ile)

Gene: ALDH18A1 (aldehyde dehydrogenase 18 family member A1; minus strand). Cytogenetic location: 10q24.1.
Variant type: single nucleotide variant.
Coding change: c.781C>A on transcript NM_002860.4 (MANE Select); coding-DNA position 781, C replaced by A.
Protein change: p.Leu261Ile; replaces leucine 261 with isoleucine.
Molecular consequence: missense variant.
Genome position (GRCh38, 1-based): chr10:95,632,986, G>T on the plus strand (C>A on the coding strand, the complement: ALDH18A1 is on the minus strand). VCF-style: chr10-95632986-G-T. GRCh37 (hg19) VCF-style: chr10-97392743-G-T.
Other names: c.775C>A, p.Leu259Ile (NM_001017423.2, NM_001323415.2); c.448C>A, p.Leu150Ile (NM_001323412.2, NM_001323416.2); c.781C>A, p.Leu261Ile (NM_001323413.2, NM_001323414.2); c.676C>A, p.Leu226Ile (NM_001323417.2); c.442C>A, p.Leu148Ile (NM_001323418.2); c.145C>A, p.Leu49Ile (NM_001323419.2); short protein forms L261I, L226I, L259I, L148I, L49I, L150I.
Identifiers: ClinVar variation 387014 (VCV000387014.13), dbSNP rs200172733, ClinGen allele CA5620525.